The following is an entry in ClinVar:

NM_001330260.2(SCN8A):c.1460G>C (p.Ser487Thr)

Gene: SCN8A (sodium voltage-gated channel alpha subunit 8; plus strand). Cytogenetic location: 12q13.13.
Variant type: single nucleotide variant.
Coding change: c.1460G>C on transcript NM_001330260.2 (MANE Select); coding-DNA position 1460, G replaced by C.
Protein change: p.Ser487Thr; replaces serine 487 with threonine.
Molecular consequence: missense variant.
Genome position (GRCh38, 1-based): chr12:51,706,540, G>C. VCF-style: chr12-51706540-G-C. GRCh37 (hg19) VCF-style: chr12-52100324-G-C.
Other names: c.1460G>C, p.Ser487Thr (NM_001177984.3, NM_001369788.1, NM_014191.4); short protein forms S487T.
Identifiers: ClinVar variation 1713187 (VCV001713187.1), dbSNP rs2540186077, ClinGen allele CA385228847.

ClinVar aggregate classification (germline): Uncertain significance (1 of 4 stars; one submission).

Conditions:
Developmental and epileptic encephalopathy, 13 (DEE13). Also called: Early infantile epileptic encephalopathy 13; Developmental and Epileptic Encephalopathy (SCN8A-DEE); SCN8A-Related Epilepsy. Identifiers: Orphanet 442835, MedGen C3281191, MONDO:0013801, OMIM 614558.

Submission:

Breda Genetics srl
Classification: Uncertain significance for Developmental and epileptic encephalopathy, 13. Last evaluated: 2021-07-20. Review status: criteria provided, single submitter. Criteria: ACMG Guidelines, 2015. Collection method: clinical testing. Allele origin: germline. Inheritance: Autosomal dominant inheritance. Affected: yes. Observed: 1 variant allele, 1 heterozygote.
Comment: The variant c.1460G>C (p.Ser487Thr) in the gene SCN8A, reference transcript NM_014191.4, has not been reported in dbSNP, gnomAD or ClinVar. The nucleotide position is conserved across 35 mammalian species (GERP RS:4.19). In silico analysis indicates that the variant might be damaging. Based on ACMG variant interpretation guidelines, we classify this variant as uncertain. However, based on the aforementioned evidence and the clinical phenotype, we think there is a given likelihood that the variant may actually be pathogenic.